The following is an entry in ClinVar:

NM_001099922.3(ALG13):c.-7C>T

Gene: ALG13 (ALG13 UDP-N-acetylglucosaminyltransferase subunit; plus strand). Cytogenetic location: Xq23.
Variant type: single nucleotide variant.
Coding change: c.-7C>T on transcript NM_001099922.3 (MANE Select); 7 bases upstream of the start codon, C replaced by T.
Molecular consequence: 5 prime UTR variant. On other transcripts: non-coding transcript variant (3).
Genome position (GRCh38, 1-based): chrX:111,681,212, C>T. VCF-style: chrX-111681212-C-T. GRCh37 (hg19) VCF-style: chrX-110924440-C-T.
Other names: c.-7C>T (NM_001039210.5, NM_001168385.3, NM_001324290.2 and 2 more transcripts); c.-215C>T (NM_001257230.2, NM_001324291.2); c.-307C>T (NM_001257231.2, NM_001257241.3); c.-340C>T (NM_001257234.2, NM_001257235.3); c.-444C>T (NM_001257237.2, NM_001257240.3, NM_001324293.1).
Identifiers: ClinVar variation 385984 (VCV000385984.3), dbSNP rs188487746, ClinGen allele CA10493411.

ClinVar aggregate classification (germline): Likely benign. Review status: criteria provided, multiple submitters, no conflicts (2 of 4 stars). 3 submissions from 3 submitters: Likely benign (3). Last evaluated 2025-11-26.

Conditions:
ALG13-related disorder. Also called: ALG13-related condition.

Allele frequency attached by ClinVar (database versions not stated): TOPMed 0.00017; 1000 Genomes Project 30x 0.00021; 1000 Genomes Project 0.00026; ESP Exome Variant Server 0.00028; gnomAD 0.00033 and 0.00036; gnomAD exomes 0.00045; ExAC 0.00049.
gnomAD v4.1: 398 of 1,209,650 alleles (0.033%); highest among the groups gnomAD compares: Non-Finnish European, 0.029%; 1 homozygote.

Submissions (3):

PreventionGenetics, part of Exact Sciences
Classification: Likely benign for ALG13-related condition. Last evaluated: 2025-11-26. Review status: criteria provided, single submitter. Criteria: ACMG Guidelines, 2015. Collection method: clinical testing. Allele origin: germline.
Comment: This variant is classified as likely benign based on ACMG/AMP sequence variant interpretation guidelines (Richards et al. 2015 PMID: 25741868, with internal and published modifications).

Blueprint Genetics
Classification: Likely benign. Last evaluated: 2024-10-01. Review status: criteria provided, single submitter. Criteria: ACMG Guidelines, 2015. Collection method: clinical testing. Allele origin: germline.

GeneDx
Classification: Likely benign. Last evaluated: 2017-02-10. Review status: criteria provided, single submitter. Criteria: GeneDx Variant Classification (06012015). Collection method: clinical testing. Allele origin: germline. Affected: yes.
Comment: This variant is considered likely benign or benign based on one or more of the following criteria: it is a conservative change, it occurs at a poorly conserved position in the protein, it is predicted to be benign by multiple in silico algorithms, and/or has population frequency not consistent with disease.